The following is an entry in ClinVar:

NM_001023570.4(IQCB1):c.1036G>T (p.Glu346Ter)

Gene: IQCB1 (IQ motif containing B1; minus strand). Cytogenetic location: 3q13.33.
Variant type: single nucleotide variant.
Coding change: c.1036G>T on transcript NM_001023570.4 (MANE Select); coding-DNA position 1036, G replaced by T.
Protein change: p.Glu346Ter; replaces glutamic acid 346 with a stop codon.
Molecular consequence: nonsense. On other transcripts: non-coding transcript variant (1).
Genome position (GRCh38, 1-based): chr3:121,790,166, C>A on the plus strand (G>T on the coding strand, the complement: IQCB1 is on the minus strand). VCF-style: chr3-121790166-C-A. GRCh37 (hg19) VCF-style: chr3-121509013-C-A.
Other names: c.637G>T, p.Glu213Ter (NM_001023571.4); c.1036G>T, p.Glu346Ter (NM_001319107.2); short protein forms E346*, E213*.
Identifiers: ClinVar variation 30779 (VCV000030779.13), dbSNP rs387907009, ClinGen allele CA129461.
Genomic context (GRCh38, chr3:121,790,166, plus strand): 5'-ATTCTCGGGAAAGTCTCATGGCTCTCTGTCTTTGAAGTTGCAATTGTAATTTGAGGTCCT[C>A]TTCTTCCTTCTGCCTATTTATCTCCAGCAACATCTTTGATCGTTTGGATCTGTGATGGAA-3'

ClinVar aggregate classification (germline): Pathogenic. Review status: criteria provided, multiple submitters, no conflicts (2 of 4 stars). 7 submissions from 7 submitters: Pathogenic (5). 2 of the submissions do not count toward it. Last evaluated 2025-12-21.

Conditions:
IQCB1-related disorder. Also called: IQCB1-related condition.
Nephronophthisis. Also called: Juvenile Nephronophthisis. Identifiers: Orphanet 655, MedGen C0687120, MONDO:0019005, HP:0000090.
Leber congenital amaurosis (LCA). Also called: Leber's amaurosis. Identifiers: Orphanet 65, MedGen C0339527, MeSH D057130, MONDO:0018998.
Senior-Loken syndrome 5 (SLSN5). Identifiers: Orphanet 3156, MedGen C1836517, MONDO:0012225, OMIM 609254.

Allele frequency attached by ClinVar (database versions not stated): gnomAD exomes 0.00001 and 0.00002; TOPMed 0.00001.

Submissions (7):

Labcorp Genetics (formerly Invitae), Labcorp
Classification: Pathogenic for Nephronophthisis. Last evaluated: 2025-12-21. Review status: criteria provided, single submitter. Criteria: Invitae Variant Classification Sherloc (09022015). Collection method: clinical testing. Allele origin: germline.
Comment: This sequence change creates a premature translational stop signal (p.Glu346*) in the IQCB1 gene. It is expected to result in an absent or disrupted protein product. Loss-of-function variants in IQCB1 are known to be pathogenic (PMID: 15723066, 21901789, 23559409, 28041643). This variant is present in population databases (rs387907009, gnomAD 0.0009%). This premature translational stop signal has been observed in individuals with Leber congenital amaurosis (PMID: 21220633, 27624628). ClinVar contains an entry for this variant (Variation ID: 30779). For these reasons, this variant has been classified as Pathogenic.

Baylor Genetics
Classification: Pathogenic for Senior-Loken syndrome 5. Last evaluated: 2024-03-04. Review status: criteria provided, single submitter. Criteria: ACMG Guidelines, 2015. Collection method: clinical testing. Allele origin: unknown.

Fulgent Genetics
Classification: Pathogenic for Senior-Loken syndrome 5. Last evaluated: 2024-02-21. Review status: criteria provided, single submitter. Criteria: ACMG Guidelines, 2015. Collection method: clinical testing. Allele origin: germline.

Blueprint Genetics
Classification: Pathogenic for IQCB1-related disorders. Last evaluated: 2023-11-10. Review status: criteria provided, single submitter. Criteria: ACMG Guidelines, 2015. Collection method: clinical testing. Allele origin: germline. Affected: yes. Observed: 5 variant alleles.

Ocular Genomics Institute, Massachusetts Eye and Ear
Classification: Pathogenic for Senior-Loken syndrome 5. Last evaluated: 2021-04-08. Review status: criteria provided, single submitter. Criteria: ACMG Guidelines, 2015. Collection method: research. Allele origin: germline. Affected: yes.
Comment: Through a review of available evidence we were able to apply the following criteria: PVS1, PM2, PM3, PP1-M, PS3. Based on this evidence we have classified this variant as Pathogenic.

NIHR Bioresource Rare Diseases, University of Cambridge
Classification: Pathogenic for Leber congenital amaurosis. Last evaluated: 2015-01-01. Review status: no assertion criteria provided. Collection method: research. Allele origin: unknown. Affected: yes. Observed: 1 variant allele. Not counted in ClinVar's aggregate classification.

OMIM
Classification: Pathogenic for SENIOR-LOKEN SYNDROME 5. Last evaluated: 2011-01-01. Review status: no assertion criteria provided. Collection method: literature only. Allele origin: germline. Not counted in ClinVar's aggregate classification.

Literature cited by the submitters: PubMed 15723066 (cited by Labcorp Genetics (formerly Invitae), Labcorp); PubMed 21901789 (cited by Labcorp Genetics (formerly Invitae), Labcorp); PubMed 23559409 (cited by Labcorp Genetics (formerly Invitae), Labcorp); PubMed 28041643 (cited by 3 submitters); PubMed 21220633 (cited by 4 submitters); PubMed 27624628 (cited by Labcorp Genetics (formerly Invitae), Labcorp and Ocular Genomics Institute, Massachusetts Eye and Ear).